The following is an entry in ClinVar:

ClinVar aggregate classification (germline): Uncertain significance (1 of 4 stars; one submission).

Conditions:
Chuvash polycythemia. Also called: POLYCYTHEMIA, VHL-DEPENDENT. Identifiers: Orphanet 238557, MedGen C1837915, MONDO:0009892, OMIM 263400.
Von Hippel-Lindau syndrome (VHLS). Also called: von Hippel–Lindau syndrome; VHL syndrome; Von Hippel-Lindau. Identifiers: Orphanet 892, MedGen C0019562, MONDO:0008667, OMIM 193300. Disease mechanism: loss of function.

Submission:

Labcorp Genetics (formerly Invitae), Labcorp
Classification: Uncertain significance for Von Hippel-Lindau syndrome; Chuvash polycythemia. Last evaluated: 2023-01-13. Review status: criteria provided, single submitter. Criteria: Invitae Variant Classification Sherloc (09022015). Collection method: clinical testing. Allele origin: germline.
Comment: This sequence change falls in intron 1 of the VHL gene. It is not expected to change the encoded amino acid sequence of the VHL protein. However, this sequence change falls within a cryptic exon in the VHL gene, known as exon E1’, which is naturally expressed at low levels in several human tissues (PMID: 29891534). In summary, the available evidence is currently insufficient to determine the role of this variant in disease. Therefore, it has been classified as a Variant of Uncertain Significance. Algorithms developed to predict the effect of sequence changes on RNA splicing suggest that this variant is not likely to affect RNA splicing. This variant has not been reported in the literature in individuals affected with VHL-related conditions. This variant is not present in population databases (gnomAD no frequency).

Literature cited by the submitters: PubMed 29891534.

NM_000551.4(VHL):c.340+702del

Genes: VHL (von Hippel-Lindau tumor suppressor; plus strand), LOC107303340 (3p25 von Hippel-Lindau tumor suppressor, E3 ubiquitin protein ligase Alu-mediated recombination region; plus strand). Cytogenetic location: 3p25.3.
Variant type: Deletion.
Coding change: c.340+702del on transcript NM_000551.4 (MANE Select); 702 bases into the intron after coding-DNA position 340, one base deleted (A; older notation c.340+702delA).
Molecular consequence: intron variant. On other transcripts: frameshift variant (1), non-coding transcript variant (1).
Genome position (GRCh38, 1-based): chr3:10,142,889, A deleted. VCF-style (leftmost placement, unchanged base first): chr3-10142888-GA-G. GRCh37 (hg19) VCF-style: chr3-10184572-GA-G.
Other names: c.467del, p.Asp156fs (NM_001354723.2); c.340+702del (NM_198156.3); short protein forms D156fs.
Identifiers: ClinVar variation 2943169 (VCV002943169.3), dbSNP rs2470160108, ClinGen allele CA2740090919.